The following is an entry in ClinVar:

ClinVar aggregate classification (germline): Conflicting classifications of pathogenicity. Review status: criteria provided, conflicting classifications (1 of 4 stars). 10 submissions from 10 submitters: Uncertain significance (4); Likely benign (6). Last evaluated 2026-03-26.

Conditions:
Dilated cardiomyopathy 1G (CMD1G). Identifiers: Orphanet 154, MedGen C1858763, MONDO:0011400, OMIM 604145.
Autosomal recessive limb-girdle muscular dystrophy type 2J (LGMDR10). Also called: MUSCULAR DYSTROPHY, LIMB-GIRDLE, AUTOSOMAL RECESSIVE 10; Limb-girdle muscular dystrophy, type 2J. Identifiers: Orphanet 140922, MedGen C1837342, MONDO:0012127, OMIM 608807.
TTN-related disorder. Also called: TTN-related disorders; TTN-related condition; TTN-related disease.
Cardiovascular phenotype. Identifiers: MedGen CN230736.

Allele frequency attached by ClinVar (database versions not stated): ESP Exome Variant Server 0.00033; 1000 Genomes Project 0.00040; 1000 Genomes Project 30x 0.00047; ExAC 0.00017; TOPMed 0.00027; gnomAD exomes 0.00013; gnomAD 0.00029 and 0.00030.
gnomAD v4.1: 100 of 1,613,506 alleles (0.0062%); highest among the groups gnomAD compares: African/African-American, 0.096%; 1 homozygote.

Submissions (10):

PreventionGenetics, part of Exact Sciences
Classification: Uncertain significance for TTN-related condition. Last evaluated: 2026-03-26. Review status: criteria provided, single submitter. Criteria: ACMG Guidelines, 2015. Collection method: clinical testing. Allele origin: germline.
Comment: The TTN c.72001G>A variant is predicted to result in the amino acid substitution p.Ala24001Thr. To our knowledge, this variant has not been reported in the literature. This variant is reported in 0.10% of alleles in individuals of African descent in gnomAD. Although we suspect that this variant may be benign, at this time, the clinical significance of this variant is uncertain due to the absence of conclusive functional and genetic evidence.

Labcorp Genetics (formerly Invitae), Labcorp
Classification: Likely benign for Dilated cardiomyopathy 1G; Autosomal recessive limb-girdle muscular dystrophy type 2J. Last evaluated: 2026-01-27. Review status: criteria provided, single submitter. Criteria: Invitae Variant Classification Sherloc (09022015). Collection method: clinical testing. Allele origin: germline.

Revvity Omics, Revvity
Classification: Uncertain significance. Last evaluated: 2024-11-27. Review status: criteria provided, single submitter. Criteria: ACMG Guidelines, 2015. Collection method: clinical testing. Allele origin: germline.

Mayo Clinic Laboratories, Mayo Clinic
Classification: Likely benign. Last evaluated: 2024-10-14. Review status: criteria provided, single submitter. Criteria: ACMG Guidelines, 2015. Collection method: clinical testing. Allele origin: germline. Observed: 1 variant allele.
Comment: BS1

ARUP Laboratories, Molecular Genetics and Genomics, ARUP Laboratories
Classification: Uncertain significance. Last evaluated: 2024-09-16. Review status: criteria provided, single submitter. Criteria: ARUP Molecular Germline Variant Investigation Process 2024. Collection method: clinical testing. Allele origin: germline.
Comment: The TTN variant c.72001G>A; p.Ala24001Thr (rs180828370; ClinVar Variation ID: 202324) is rare in the general population (<0.2% allele frequency in the Genome Aggregation Database) and has not been reported in the medical literature in association with dilated cardiomyopathy (DCM) or other TTN-related disease. The clinical relevance of rare missense variants in this gene, which are identified on average once per individual sequenced in affected populations (Herman 2012), is not well understood. Yet, evidence suggests that the vast majority of such missense variants do not contribute to the clinical outcome of DCM (Begay 2015). Thus, the clinical significance of the p.Ala24001Thr variant cannot be determined with certainty. References: Begay RL et al. Role of Titin Missense Variants in Dilated Cardiomyopathy. J Am Heart Assoc. 2015 Nov 13;4(11). PMID: 26567375. Herman DS et al. Truncations of titin causing dilated cardiomyopathy. N Engl J Med. 2012 Feb 16;366(7):619-28. PMID: 22335739. Linke WA and Hamdani N. Gigantic business: titin properties and function through thick and thin. Circ Res 2014; 114(6): 1052-1068. PMID: 24625729.

Blueprint Genetics
Classification: Likely benign. Last evaluated: 2024-03-14. Review status: criteria provided, single submitter. Criteria: ACMG Guidelines, 2015. Collection method: clinical testing. Allele origin: germline.

Women's Health and Genetics/Laboratory Corporation of America, LabCorp
Classification: Likely benign. Last evaluated: 2023-06-19. Review status: criteria provided, single submitter. Criteria: LabCorp Variant Classification Summary - May 2015. Collection method: clinical testing. Allele origin: germline.
Comment: Variant summary: TTN c.64297G>A (p.Ala21433Thr) results in a non-conservative amino acid change located in the A-band of the encoded protein sequence. Four of four in-silico tools predict a damaging effect of the variant on protein function. The variant allele was found at a frequency of 0.00018 in 279544 control chromosomes, predominantly at a frequency of 0.001 within the African or African-American subpopulation in the gnomAD database. The observed variant frequency within African or African-American control individuals in the gnomAD database is approximately 3-fold of the estimated maximal expected allele frequency for a pathogenic variant in TTN causing Dilated Cardiomyopathy phenotype (0.00039), strongly suggesting that the variant is a benign polymorphism found primarily in populations of African or African-American origin. To our knowledge, no occurrence of c.64297G>A in individuals affected with Dilated Cardiomyopathy and no experimental evidence demonstrating its impact on protein function have been reported. Five submitters have cited clinical-significance assessments for this variant to ClinVar after 2014 and classified the variant as either likely benign (n=3) or VUS (n=2). Based on the evidence outlined above, the variant was classified as likely benign.

GeneDx
Classification: Likely benign. Last evaluated: 2020-01-17. Review status: criteria provided, single submitter. Criteria: GeneDx Variant Classification Process June 2021. Collection method: clinical testing. Allele origin: germline. Affected: yes.

Ambry Genetics
Classification: Likely benign for Cardiovascular phenotype. Last evaluated: 2019-09-10. Review status: criteria provided, single submitter. Criteria: Ambry Variant Classification Scheme 2023. Collection method: clinical testing. Allele origin: germline.

Eurofins Ntd Llc (ga)
Classification: Uncertain significance. Last evaluated: 2017-12-14. Review status: criteria provided, single submitter. Criteria: EGL Classification Definitions 2015. Collection method: clinical testing. Allele origin: germline. Observed: 2 variant alleles, 2 heterozygotes.

NM_001267550.2(TTN):c.72001G>A (p.Ala24001Thr)

Genes: TTN (titin; minus strand), TTN-AS1 (TTN antisense RNA 1; plus strand). Cytogenetic location: 2q31.2.
Variant type: single nucleotide variant.
Coding change: c.72001G>A on transcript NM_001267550.2 (MANE Select); coding-DNA position 72001, G replaced by A.
Protein change: p.Ala24001Thr; replaces alanine 24001 with threonine.
Molecular consequence: missense variant.
Genome position (GRCh38, 1-based): chr2:178,574,131, C>T on the plus strand (G>A on the coding strand, the complement: TTN is on the minus strand). VCF-style: chr2-178574131-C-T. GRCh37 (hg19) VCF-style: chr2-179438858-C-T.
Other names: p.A21433T:GCC>ACC; p.Ala22360Thr; c.67078G>A, p.Ala22360Thr (NM_001256850.1); c.44806G>A, p.Ala14936Thr (NM_003319.4); c.64297G>A, p.Ala21433Thr (NM_133378.4); c.45181G>A, p.Ala15061Thr (NM_133432.3); c.45382G>A, p.Ala15128Thr (NM_133437.4); short protein forms A21433T, A24001T, A22360T, A14936T, A15128T, A15061T.
Identifiers: ClinVar variation 202324 (VCV000202324.29), dbSNP rs180828370, ClinGen allele CA309088.